The following is an entry in ClinVar:

ClinVar aggregate classification (germline): Uncertain significance (1 of 4 stars; one submission).

Submission:

GeneDx
Classification: Uncertain significance. Last evaluated: 2024-05-03. Review status: criteria provided, single submitter. Criteria: GeneDx Variant Classification Process June 2021. Collection method: clinical testing. Allele origin: germline. Affected: yes.
Comment: Not observed at significant frequency in large population cohorts (gnomAD); In silico analysis supports that this missense variant does not alter protein structure/function; Has not been previously published as pathogenic or benign to our knowledge

NM_013275.6(ANKRD11):c.2317C>T (p.Pro773Ser)

Gene: ANKRD11 (ankyrin repeat domain containing 11; minus strand). Cytogenetic location: 16q24.3.
Variant type: single nucleotide variant.
Coding change: c.2317C>T on transcript NM_013275.6 (MANE Select); coding-DNA position 2317, C replaced by T.
Protein change: p.Pro773Ser; replaces proline 773 with serine.
Molecular consequence: missense variant.
Genome position (GRCh38, 1-based): chr16:89,284,225, G>A on the plus strand (C>T on the coding strand, the complement: ANKRD11 is on the minus strand). VCF-style: chr16-89284225-G-A. GRCh37 (hg19) VCF-style: chr16-89350633-G-A.
Other names: c.2317C>T, p.Pro773Ser (NM_001256182.2, NM_001256183.2); short protein forms P773S.
Identifiers: ClinVar variation 1185807 (VCV001185807.4), dbSNP rs1228976350, ClinGen allele CA397162697.